The following is an entry in ClinVar:

ClinVar aggregate classification (germline): Benign/Likely benign. Review status: criteria provided, multiple submitters, no conflicts (2 of 4 stars). 7 submissions from 7 submitters: Benign (2); Likely benign (5). Last evaluated 2026-09-11.

Conditions:
NF1-related disorder. Also called: NF1-related condition. Identifiers: MedGen CN379171.
Hereditary cancer-predisposing syndrome. Also called: Neoplastic Syndromes, Hereditary; Hereditary Cancer Syndrome; Tumor predisposition; Hereditary neoplastic syndrome. Identifiers: Orphanet 140162, MedGen C0027672, MeSH D009386, MONDO:0015356.
Neurofibromatosis, type 1 (NF1). Also called: VON RECKLINGHAUSEN DISEASE; NEUROFIBROMATOSIS, TYPE I, SOMATIC; Peripheral type neurofibromatosis; Neurofibromatosis, type I. Identifiers: Orphanet 636, MedGen C0027831, MONDO:0018975, OMIM 162200. Disease mechanism: loss of function.

Allele frequency attached by ClinVar (database versions not stated): gnomAD below 0.00001 and 0.00001; gnomAD exomes 0.00001 and 0.00005; ExAC 0.00004.
gnomAD v4.1: 21 of 1,613,892 alleles (0.0013%); highest among the groups gnomAD compares: South Asian, 0.018%; no homozygotes.

Submissions (7):

PreventionGenetics, part of Exact Sciences
Classification: Likely benign for NF1-related condition. Last evaluated: 2026-09-11. Review status: criteria provided, single submitter. Criteria: ACMG Guidelines, 2015. Collection method: clinical testing. Allele origin: germline.
Comment: This variant is classified as likely benign based on ACMG/AMP sequence variant interpretation guidelines (Richards et al. 2015 PMID: 25741868, with internal and published modifications).

Myriad Genetics, Inc.
Classification: Benign for Neurofibromatosis, type 1. Last evaluated: 2026-05-20. Review status: criteria provided, single submitter. Criteria: Myriad Autosomal Dominant, Autosomal Recessive and X-Linked Classification Criteria (2023). Collection method: clinical testing. Allele origin: unknown.
Comment: This variant is considered benign. This variant is a silent/synonymous amino acid change and it is not expected to impact splicing.

Labcorp Genetics (formerly Invitae), Labcorp
Classification: Likely benign for Neurofibromatosis, type 1. Last evaluated: 2025-12-24. Review status: criteria provided, single submitter. Criteria: Invitae Variant Classification Sherloc (09022015). Collection method: clinical testing. Allele origin: germline.

Blueprint Genetics
Classification: Benign. Last evaluated: 2024-11-07. Review status: criteria provided, single submitter. Criteria: ACMG Guidelines, 2015. Collection method: clinical testing. Allele origin: germline.

Genome-Nilou Lab
Classification: Likely benign for Neurofibromatosis, type 1. Last evaluated: 2022-03-15. Review status: criteria provided, single submitter. Criteria: ACMG Guidelines, 2015. Collection method: clinical testing. Allele origin: germline. Affected: no.

Sema4
Classification: Likely benign for Hereditary cancer-predisposing syndrome. Last evaluated: 2021-11-27. Review status: criteria provided, single submitter. Criteria: Sema4 Curation Guidelines. Collection method: curation. Allele origin: germline.

Ambry Genetics
Classification: Likely benign for Hereditary cancer-predisposing syndrome. Last evaluated: 2016-01-13. Review status: criteria provided, single submitter. Criteria: Ambry Autosomal Dominant and X-Linked criteria (10/2015). Collection method: clinical testing. Allele origin: germline. Observed: 1 variant allele.
Comment: Synonymous alterations with insufficient evidence to classify as benign

NM_001042492.3(NF1):c.3435G>A (p.Thr1145=)

Gene: NF1 (neurofibromin 1; plus strand). Cytogenetic location: 17q11.2.
Variant type: single nucleotide variant.
Coding change: c.3435G>A on transcript NM_001042492.3 (MANE Select); coding-DNA position 3435, G replaced by A.
Protein change: p.Thr1145=; no amino-acid change (threonine 1145 retained).
Molecular consequence: synonymous variant.
Genome position (GRCh38, 1-based): chr17:31,232,820, G>A. VCF-style: chr17-31232820-G-A. GRCh37 (hg19) VCF-style: chr17-29559838-G-A.
Other names: c.3435G>A, p.Thr1145= (NM_000267.4).
Identifiers: ClinVar variation 480084 (VCV000480084.18), dbSNP rs772432150, ClinGen allele CA8486164.